The following is an entry in ClinVar:

ClinVar aggregate classification (germline): Uncertain significance (1 of 4 stars; one submission).

gnomAD v4.1: 1 of 1,613,958 alleles (0.000062%); highest among the groups gnomAD compares: Non-Finnish European, 0.000085%; no homozygotes.

Submission:

Labcorp Genetics (formerly Invitae), Labcorp
Classification: Uncertain significance. Last evaluated: 2025-11-04. Review status: criteria provided, single submitter. Criteria: Invitae Variant Classification Sherloc (09022015). Collection method: clinical testing. Allele origin: germline.
Comment: The OPA1 gene has multiple clinically relevant transcripts. This variant occurs in alternate transcript NM_130837.2, and corresponds to NM_015560.2:c.625-5502A>G in the primary transcript. This sequence change replaces isoleucine, which is neutral and non-polar, with valine, which is neutral and non-polar, at codon 233 of the OPA1 protein (p.Ile233Val). This variant is not present in population databases (gnomAD no frequency). This variant has not been reported in the literature in individuals affected with OPA1-related conditions. Algorithms developed to predict the effect of sequence changes on RNA splicing suggest that this variant is not likely to affect RNA splicing. In summary, the available evidence is currently insufficient to determine the role of this variant in disease. Therefore, it has been classified as a Variant of Uncertain Significance.

NM_130837.3(OPA1):c.697A>G (p.Ile233Val)

Genes: OPA1 (OPA1 mitochondrial dynamin like GTPase; plus strand), OPA1-AS1 (OPA1 antisense RNA 1; minus strand). Cytogenetic location: 3q29.
Variant type: single nucleotide variant.
Coding change: c.697A>G on transcript NM_130837.3 (MANE Select); coding-DNA position 697, A replaced by G.
Protein change: p.Ile233Val; replaces isoleucine 233 with valine.
Molecular consequence: missense variant. On other transcripts: intron variant (5).
Genome position (GRCh38, 1-based): chr3:193,626,110, A>G. VCF-style: chr3-193626110-A-G. GRCh37 (hg19) VCF-style: chr3-193343899-A-G.
Other names: c.163A>G, p.Ile55Val (NM_001354663.2); c.535A>G, p.Ile179Val (NM_130833.3); c.589A>G, p.Ile197Val (NM_130835.3); c.643A>G, p.Ile215Val (NM_130836.3); c.253-5502A>G (NM_001354664.2); c.679-5502A>G (NM_130834.3); c.625-5502A>G (NM_015560.3); c.571-5502A>G (NM_130832.3); and 1 more; short protein forms I179V, I55V, I197V, I215V, I233V.
Identifiers: ClinVar variation 4703512 (VCV004703512.1).
Genomic context (GRCh38, chr3:193,626,110, plus strand): 5'-CCTCCCCAATTTCCTCTTCTCCTCATTGTGAACTCGTGGCAGGGTCTGCTTGGTGAGCTC[A>G]TTCTCTTACAACAACAAATTCAAGAGCATGAAGAGGAAGCGCGCAGAGCCGCTGGCCAAT-3'
Protein context (NP_570850.2, residues 223-243): HFRKGLLGEL[Ile233Val]LLQQQIQEHE